The following is an entry in ClinVar:

NM_006080.3(SEMA3A):c.1372G>A (p.Val458Ile)

Gene: SEMA3A (semaphorin 3A; minus strand). Cytogenetic location: 7q21.11.
Variant type: single nucleotide variant.
Coding change: c.1372G>A on transcript NM_006080.3 (MANE Select); coding-DNA position 1372, G replaced by A.
Protein change: p.Val458Ile; replaces valine 458 with isoleucine.
Molecular consequence: missense variant.
Genome position (GRCh38, 1-based): chr7:84,002,035, C>T on the plus strand (G>A on the coding strand, the complement: SEMA3A is on the minus strand). VCF-style: chr7-84002035-C-T. GRCh37 (hg19) VCF-style: chr7-83631351-C-T.
Other names: c.1372G>A (NM_006080.2); short protein forms V458I.
Identifiers: ClinVar variation 1325879 (VCV001325879.3), dbSNP rs553661856, ClinGen allele CA4322754.
Genomic context (GRCh38, chr7:84,002,035, plus strand): 5'-CCAGCAGAACCTCTTCTAAATCATACCAAGTCTCCTTAGGAATTGAAACTACTTTAAGAA[C>T]GGTCCCAACATCTTTGAAAGAAAGTGGGGAGAAGACCACAAGTTAAGTAGATCTGAACAG-3'
Protein context (NP_006071.1, residues 448-468): VMFIGTDVGT[Val458Ile]LKVVSIPKET

ClinVar aggregate classification (germline): Uncertain significance. Review status: criteria provided, single submitter (1 of 4 stars). 3 submissions from 3 submitters: Uncertain significance (1). 2 of the submissions do not count toward it. Last evaluated 2023-09-15.

Conditions:
SEMA3A-related disorder. Also called: SEMA3A-related condition.
Hypogonadotropic hypogonadism 16 with or without anosmia (HH16). Also called: HYPOGONADOTROPIC HYPOGONADISM 16 WITH ANOSMIA, SUSCEPTIBILITY TO. Identifiers: Orphanet 478, MedGen C3554021, MONDO:0013961, OMIM 614897.

Allele frequency attached by ClinVar (database versions not stated): TOPMed 0.00002; gnomAD 0.00004 and 0.00006; gnomAD exomes 0.00005; ExAC 0.00007; 1000 Genomes Project 30x 0.00016; 1000 Genomes Project 0.00020.
gnomAD v4.1: 75 of 1,604,566 alleles (0.0047%); highest among the groups gnomAD compares: Middle Eastern, 0.033%; no homozygotes.

Submissions (3):

GeneDx
Classification: Uncertain significance. Last evaluated: 2023-09-15. Review status: criteria provided, single submitter. Criteria: GeneDx Variant Classification Process June 2021. Collection method: clinical testing. Allele origin: germline. Affected: yes.
Comment: Identified in a patient with Kallmann syndrome in published literature (Dai et al., 2020); In silico analysis supports that this missense variant does not alter protein structure/function; Variants in candidate genes are classified as variants of uncertain significance in accordance with ACMG guidelines (Richards et al., 2015); This variant is associated with the following publications: (PMID: 32060892, 36517585)

PreventionGenetics, part of Exact Sciences
Classification: Uncertain significance for SEMA3A-related condition. Last evaluated: 2024-03-15. Review status: no assertion criteria provided. Collection method: clinical testing. Allele origin: germline. Not counted in ClinVar's aggregate classification.
Comment: The SEMA3A c.1372G>A variant is predicted to result in the amino acid substitution p.Val458Ile. This variant has been reported in an individual with isolated hypogonadotropic hypogonadism; in addition, functional studies suggested that the p.Val458Ile change prevented extracellular secretion of SEMA3A protein (Dai et al. 2020. PubMed ID: 32060892). This variant is reported in 0.020% of alleles in individuals of South Asian descent in gnomAD. At this time, the clinical significance of this variant is uncertain due to the absence of conclusive functional and genetic evidence.

OMIM
Classification: risk factor for HYPOGONADOTROPIC HYPOGONADISM 16 WITH ANOSMIA, SUSCEPTIBILITY TO. Last evaluated: 2021-11-22. Review status: no assertion criteria provided. Collection method: literature only. Allele origin: germline. Not counted in ClinVar's aggregate classification.

Literature cited by the submitters: PubMed 32060892 (cited by OMIM).